The following is an entry in ClinVar:

ClinVar aggregate classification (germline): Conflicting classifications of pathogenicity. Review status: criteria provided, conflicting classifications (1 of 4 stars). 2 submissions from 2 submitters: Uncertain significance (1); Likely benign (1). Last evaluated 2026-01-13.

Conditions:
ARID1A-related disorder. Also called: ARID1A-related condition.

Allele frequency attached by ClinVar (database versions not stated): gnomAD 0.00001; gnomAD exomes 0.00002; TOPMed 0.00002; ExAC 0.00004; ESP Exome Variant Server 0.00008.
gnomAD v4.1: 13 of 1,602,990 alleles (0.00081%); highest among the groups gnomAD compares: South Asian, 0.012%; no homozygotes.

Submissions (2):

PreventionGenetics, part of Exact Sciences
Classification: Uncertain significance for ARID1A-related condition. Last evaluated: 2026-01-13. Review status: criteria provided, single submitter. Criteria: ACMG Guidelines, 2015. Collection method: clinical testing. Allele origin: germline.
Comment: The ARID1A c.4955T>C variant is predicted to result in the amino acid substitution p.Val1652Ala. To our knowledge, this variant has not been reported in the literature. This variant is reported in 0.021% of alleles in individuals of South Asian descent in gnomAD. Although we suspect that this variant may be benign, at this time, the clinical significance of this variant is uncertain due to the absence of conclusive functional and genetic evidence.

Labcorp Genetics (formerly Invitae), Labcorp
Classification: Likely benign. Last evaluated: 2023-06-21. Review status: criteria provided, single submitter. Criteria: Invitae Variant Classification Sherloc (09022015). Collection method: clinical testing. Allele origin: germline.

NM_006015.6(ARID1A):c.4955T>C (p.Val1652Ala)

Gene: ARID1A (AT-rich interaction domain 1A; plus strand). Cytogenetic location: 1p36.11.
Variant type: single nucleotide variant.
Coding change: c.4955T>C on transcript NM_006015.6 (MANE Select); coding-DNA position 4955, T replaced by C.
Protein change: p.Val1652Ala; replaces valine 1652 with alanine.
Molecular consequence: missense variant.
Genome position (GRCh38, 1-based): chr1:26,775,182, T>C. VCF-style: chr1-26775182-T-C. GRCh37 (hg19) VCF-style: chr1-27101673-T-C.
Other names: c.4304T>C, p.Val1435Ala (NM_139135.4); short protein forms V1435A, V1652A.
Identifiers: ClinVar variation 2986184 (VCV002986184.4), dbSNP rs376792436, ClinGen allele CA707550.